The following is an entry in ClinVar:

ClinVar aggregate classification (germline): Benign/Likely benign. Review status: criteria provided, multiple submitters, no conflicts (2 of 4 stars). 4 submissions from 4 submitters: Benign (1); Likely benign (2). 1 of the submissions does not count toward it. Last evaluated 2026-01-17.

Conditions:
TRPV3-related disorder. Also called: TRPV3-related condition.
Isolated focal non-epidermolytic palmoplantar keratoderma. Also called: Palmoplantar keratoderma, nonepidermolytic, focal 2. Identifiers: Orphanet 448264, MedGen C4225339, MONDO:0014622, OMIM 616400.

Allele frequency attached by ClinVar (database versions not stated): 1000 Genomes Project 30x 0.00094; 1000 Genomes Project 0.00120; gnomAD exomes 0.00273 and 0.00347; gnomAD 0.00274 and 0.00299; TOPMed 0.00331; ESP Exome Variant Server 0.00361.
gnomAD v4.1: 5,501 of 1,613,728 alleles (0.34%); highest among the groups gnomAD compares: Middle Eastern, 0.82%; 13 homozygotes.

Submissions (4):

Labcorp Genetics (formerly Invitae), Labcorp
Classification: Likely benign. Last evaluated: 2026-01-17. Review status: criteria provided, single submitter. Criteria: Invitae Variant Classification Sherloc (09022015). Collection method: clinical testing. Allele origin: germline.

CeGaT Center for Human Genetics Tuebingen
Classification: Likely benign. Last evaluated: 2025-05-01. Review status: criteria provided, single submitter. Criteria: CeGaT Center For Human Genetics Tuebingen Variant Classification Criteria Version 2. Collection method: clinical testing. Allele origin: germline. Affected: yes. Observed: 1 variant allele.
Comment: TRPV3: BP4, BS2

Illumina Laboratory Services, Illumina
Classification: Benign for Isolated focal non-epidermolytic palmoplantar keratoderma. Last evaluated: 2018-01-12. Review status: criteria provided, single submitter. Criteria: ICSL Variant Classification Criteria 13 December 2019. Collection method: clinical testing. Allele origin: germline.
Comment: This variant was observed in the ICSL laboratory as part of a predisposition screen in an ostensibly healthy population. It had not been previously curated by ICSL or reported in the Human Gene Mutation Database (HGMD: prior to June 1st, 2018), and was therefore a candidate for classification through an automated scoring system. Utilizing variant allele frequency, disease prevalence and penetrance estimates, and inheritance mode, an automated score was calculated to assess if this variant is too frequent to cause the disease. Based on the score and internal cut-off values, a variant classified as benign is not then subjected to further curation. The score for this variant resulted in a classification of benign for this disease.

PreventionGenetics, part of Exact Sciences
Classification: Benign for TRPV3-related condition. Last evaluated: 2019-09-05. Review status: no assertion criteria provided. Collection method: clinical testing. Allele origin: germline. Not counted in ClinVar's aggregate classification.
Comment: This variant is classified as benign based on ACMG/AMP sequence variant interpretation guidelines (Richards et al. 2015 PMID: 25741868, with internal and published modifications).

NM_145068.4(TRPV3):c.1105C>T (p.Arg369Trp)

Gene: TRPV3 (transient receptor potential cation channel subfamily V member 3; minus strand). Cytogenetic location: 17p13.2.
Variant type: single nucleotide variant.
Coding change: c.1105C>T on transcript NM_145068.4 (MANE Select); coding-DNA position 1105, C replaced by T.
Protein change: p.Arg369Trp; replaces arginine 369 with tryptophan.
Molecular consequence: missense variant.
Genome position (GRCh38, 1-based): chr17:3,530,164, G>A on the plus strand (C>T on the coding strand, the complement: TRPV3 is on the minus strand). VCF-style: chr17-3530164-G-A. GRCh37 (hg19) VCF-style: chr17-3433458-G-A.
Other names: c.1105C>T, p.Arg369Trp (NM_001258205.2); short protein forms R369W.
Identifiers: ClinVar variation 322775 (VCV000322775.26), dbSNP rs116535534, ClinGen allele CA8289584.